The following is an entry in ClinVar:

NM_000334.4(SCN4A):c.5104G>A (p.Glu1702Lys)

Genes: GH-LCR (growth hormone locus control region; plus strand), SCN4A (sodium voltage-gated channel alpha subunit 4; minus strand). Cytogenetic location: 17q23.3.
Variant type: single nucleotide variant.
Coding change: c.5104G>A on transcript NM_000334.4 (MANE Select); coding-DNA position 5104, G replaced by A.
Protein change: p.Glu1702Lys; replaces glutamic acid 1702 with lysine.
Molecular consequence: missense variant.
Genome position (GRCh38, 1-based): chr17:63,941,178, C>T on the plus strand (G>A on the coding strand, the complement: SCN4A is on the minus strand). VCF-style: chr17-63941178-C-T. GRCh37 (hg19) VCF-style: chr17-62018538-C-T.
Other names: short protein forms E1702K.
Identifiers: ClinVar variation 543801 (VCV000543801.16), dbSNP rs1555600605, ClinGen allele CA400614067.
Genomic context (GRCh38, chr17:63,941,178, plus strand): 5'-GGGTGGTGGTGATGGGCTCGTAGGACACCTTGGAGGGGTTGGCTGCCATGAACTTCTCCT[C>T]CATGGTCTGCTTGAGGGCGTCCATTTCCCCAGAGTCACCCAGGACCTCTTTGGTCAGGGC-3'
Protein context (NP_000325.4, residues 1692-1712): GEMDALKQTM[Glu1702Lys]EKFMAANPSK

ClinVar aggregate classification (germline): Pathogenic/Likely pathogenic. Review status: criteria provided, multiple submitters, no conflicts (2 of 4 stars). 5 submissions from 5 submitters: Pathogenic (3); Likely pathogenic (2). Last evaluated 2025-09-08.

Conditions:
Hyperkalemic periodic paralysis. Also called: Familial hyperkalemic periodic paralysis; Gamstorp disease. Identifiers: Orphanet 682, MedGen C0238357, MONDO:0008224, OMIM 170500, HP:0007215.
Congenital myasthenic syndrome 16. Identifiers: Orphanet 590, MedGen C3280112, MONDO:0013620, OMIM 614198.
Paramyotonia congenita of Von Eulenburg. Also called: Myotonia congenita intermittens; Von Eulenburg paramyotonia congenita; Paramyotonia Congenita; PARALYSIS PERIODICA PARAMYOTONICA; Eulenburg disease. Identifiers: Orphanet 684, MedGen C0221055, MONDO:0008195, OMIM 168300. Disease mechanism: loss of function.
Congenital myopathy 22A, classic (CMYO22A). Identifiers: MedGen C5830453, MONDO:0957247, OMIM 620351.
Congenital myopathy 22B, severe fetal (CMYO22B). Identifiers: MedGen C5830501, MONDO:0957265, OMIM 620369.
Hypokalemic periodic paralysis, type 2 (HOKPP2). Identifiers: Orphanet 681, MedGen C2750061, MONDO:0013234, OMIM 613345.
Potassium-aggravated myotonia. Also called: Myotonia congenita, atypical, acetazolamide-responsive; MYOTONIA CONGENITA, ACETAZOLAMIDE-RESPONSIVE; MYOTONIA CONGENITA, ATYPICAL; SODIUM CHANNEL MUSCLE DISEASE. Identifiers: Orphanet 612, Orphanet 99734, Orphanet 99735, Orphanet 99736, MedGen C2931826, MONDO:0018959, OMIM 608390.
SCN4A-related disorder. Also called: SCN4A-related disorders.

Submissions (5):

3billion
Classification: Pathogenic for SCN4A-related disorder. Last evaluated: 2025-09-08. Review status: criteria provided, single submitter. Criteria: ACMG Guidelines, 2015. Collection method: clinical testing. Allele origin: germline. Affected: yes.
Comment: The variant is not observed in the gnomAD v4.1.0 dataset. Predicted Consequence/Location: Missense variant Functional studies provide moderate evidence of the variant having a damaging effect on the gene or gene product (PMID: 32129495). In silico tool predictions suggest damaging effect of the variant on gene or gene product [REVEL: 0.89 (>=0.6, sensitivity 0.68 and specificity 0.92)]. The same nucleotide change resulting in the same amino acid change has been previously reported as pathogenic/likely pathogenic with strong evidence (ClinVar ID: VCV000543801 /PMID: 15534250). A different missense change at the same codon (p.Glu1702Ala) has been reported to be associated with SCN4A-related disorder (PMID: 33726816). Therefore, this variant is classified as Pathogenic according to the recommendation of ACMG/AMP guideline.

Labcorp Genetics (formerly Invitae), Labcorp
Classification: Pathogenic for Hyperkalemic periodic paralysis. Last evaluated: 2025-09-08. Review status: criteria provided, single submitter. Criteria: Invitae Variant Classification Sherloc (09022015). Collection method: clinical testing. Allele origin: germline.
Comment: This sequence change replaces glutamic acid, which is acidic and polar, with lysine, which is basic and polar, at codon 1702 of the SCN4A protein (p.Glu1702Lys). This variant is not present in population databases (gnomAD no frequency). This missense change has been observed in individuals with autosomal dominant SCN4A-related conditions (PMID: 15534250, 32129495; internal data). ClinVar contains an entry for this variant (Variation ID: 543801). Invitae Evidence Modeling of protein sequence and biophysical properties (such as structural, functional, and spatial information, amino acid conservation, physicochemical variation, residue mobility, and thermodynamic stability) indicates that this missense variant is expected to disrupt SCN4A protein function with a positive predictive value of 80%. Experimental studies have shown that this missense change affects SCN4A function (PMID: 32129495). For these reasons, this variant has been classified as Pathogenic.

GeneDx
Classification: Likely pathogenic. Last evaluated: 2025-08-14. Review status: criteria provided, single submitter. Criteria: GeneDx Variant Classification Process June 2021. Collection method: clinical testing. Allele origin: germline. Affected: yes.
Comment: Published functional studies suggest a damaging effect on fast inactivation of SCN4A sodium channels (PMID: 32129495); Not observed at significant frequency in large population cohorts (gnomAD); In silico analysis supports that this missense variant has a deleterious effect on protein structure/function; This variant is associated with the following publications: (PMID: 24324661, 32660787, 21220685, 15534250, 23884711, 40127393, 32129495)

Athena Diagnostics
Classification: Pathogenic. Last evaluated: 2024-05-03. Review status: criteria provided, single submitter. Criteria: Athena Diagnostics Criteria. Collection method: clinical testing. Allele origin: unknown.
Comment: This variant has not been reported in large, multi-ethnic general populations. This variant has been identified in at least one individual with clinical features associated with this gene. This variant segregates with disease in at least one family. Assessment of experimental evidence suggests this variant results in abnormal protein function. (PMID: 32129495)

Fulgent Genetics
Classification: Likely pathogenic for Paramyotonia congenita of Von Eulenburg; Hyperkalemic periodic paralysis; Potassium-aggravated myotonia; Hypokalemic periodic paralysis, type 2; Congenital myasthenic syndrome 16; Congenital myopathy 22A, classic; Congenital myopathy 22B, severe fetal. Last evaluated: 2024-04-28. Review status: criteria provided, single submitter. Criteria: ACMG Guidelines, 2015. Collection method: clinical testing. Allele origin: germline.

Literature cited by the submitters: PubMed 33726816 (cited by 3billion); PubMed 32129495 (cited by 3 submitters); PubMed 15534250 (cited by 3 submitters); PubMed 21220685 (cited by Athena Diagnostics); PubMed 23884711 (cited by Athena Diagnostics); PubMed 32660787 (cited by Athena Diagnostics).